The following is an entry in ClinVar:

NM_170601.5(SIAE):c.1430C>T (p.Ala477Val)

Gene: SIAE (sialic acid acetylesterase; minus strand). Cytogenetic location: 11q24.2.
Variant type: single nucleotide variant.
Coding change: c.1430C>T on transcript NM_170601.5 (MANE Select); coding-DNA position 1430, C replaced by T.
Protein change: p.Ala477Val; replaces alanine 477 with valine.
Molecular consequence: missense variant.
Genome position (GRCh38, 1-based): chr11:124,637,093, G>A on the plus strand (C>T on the coding strand, the complement: SIAE is on the minus strand). VCF-style: chr11-124637093-G-A. GRCh37 (hg19) VCF-style: chr11-124506989-G-A.
Other names: c.1325C>T, p.Ala442Val (NM_001199922.2); short protein forms A442V, A477V.
Identifiers: ClinVar variation 2790968 (VCV002790968.3), dbSNP rs2496874478, ClinGen allele CA383141835.

ClinVar aggregate classification (germline): Uncertain significance (1 of 4 stars; one submission).

Allele frequency attached by ClinVar (database versions not stated): gnomAD exomes below 0.00001.
gnomAD v4.1: 1 of 1,614,162 alleles (0.000062%); highest among the groups gnomAD compares: Non-Finnish European, 0.000085%; no homozygotes.

Submission:

Labcorp Genetics (formerly Invitae), Labcorp
Classification: Uncertain significance. Last evaluated: 2022-12-08. Review status: criteria provided, single submitter. Criteria: Invitae Variant Classification Sherloc (09022015). Collection method: clinical testing. Allele origin: germline.
Comment: This variant is not present in population databases (gnomAD no frequency). This variant has not been reported in the literature in individuals affected with SIAE-related conditions. Algorithms developed to predict the effect of missense changes on protein structure and function are either unavailable or do not agree on the potential impact of this missense change (SIFT: "Deleterious"; PolyPhen-2: "Possibly Damaging"; Align-GVGD: "Class C15"). In summary, the available evidence is currently insufficient to determine the role of this variant in disease. Therefore, it has been classified as a Variant of Uncertain Significance. This sequence change replaces alanine, which is neutral and non-polar, with valine, which is neutral and non-polar, at codon 477 of the SIAE protein (p.Ala477Val).